The following is an entry in ClinVar:

ClinVar aggregate classification (germline): Uncertain significance (1 of 4 stars; one submission).

Allele frequency attached by ClinVar (database versions not stated): gnomAD exomes 0.00003 and 0.00006; gnomAD 0.00004; TOPMed 0.00006; ExAC 0.00007; ESP Exome Variant Server 0.00015.

Submission:

Labcorp Genetics (formerly Invitae), Labcorp
Classification: Uncertain significance. Last evaluated: 2021-10-09. Review status: criteria provided, single submitter. Criteria: Invitae Variant Classification Sherloc (09022015). Collection method: clinical testing. Allele origin: germline.
Comment: This sequence change replaces arginine with glutamine at codon 136 of the GGCX protein (p.Arg136Gln). The arginine residue is highly conserved and there is a small physicochemical difference between arginine and glutamine. In summary, the available evidence is currently insufficient to determine the role of this variant in disease. Therefore, it has been classified as a Variant of Uncertain Significance. Algorithms developed to predict the effect of sequence changes on RNA splicing suggest that this variant may create or strengthen a splice site. Algorithms developed to predict the effect of missense changes on protein structure and function are either unavailable or do not agree on the potential impact of this missense change (SIFT: "Deleterious"; PolyPhen-2: "Probably Damaging"; Align-GVGD: "Class C0"). This variant has not been reported in the literature in individuals affected with GGCX-related conditions. This variant is present in population databases (rs140647479, ExAC 0.01%).

NM_000821.7(GGCX):c.407G>A (p.Arg136Gln)

Gene: GGCX (gamma-glutamyl carboxylase; minus strand). Cytogenetic location: 2p11.2.
Variant type: single nucleotide variant.
Coding change: c.407G>A on transcript NM_000821.7 (MANE Select); coding-DNA position 407, G replaced by A.
Protein change: p.Arg136Gln; replaces arginine 136 with glutamine.
Molecular consequence: missense variant.
Genome position (GRCh38, 1-based): chr2:85,558,572, C>T on the plus strand (G>A on the coding strand, the complement: GGCX is on the minus strand). VCF-style: chr2-85558572-C-T. GRCh37 (hg19) VCF-style: chr2-85785695-C-T.
Other names: c.236G>A, p.Arg79Gln (NM_001142269.4); short protein forms R136Q, R79Q.
Identifiers: ClinVar variation 1404772 (VCV001404772.5), dbSNP rs140647479, ClinGen allele CA1742133.